The following is an entry in ClinVar:

ClinVar aggregate classification (germline): Uncertain significance (1 of 4 stars; one submission).

Conditions:
ABCA4-related disorder. Also called: ABCA4-related disorders; ABCA4-related condition. Identifiers: MedGen CN239167.

gnomAD v4.1: 8 of 1,614,168 alleles (0.0005%); highest among the groups gnomAD compares: East Asian, 0.0022%; no homozygotes.

Submission:

PreventionGenetics, part of Exact Sciences
Classification: Uncertain significance for ABCA4-related condition. Last evaluated: 2025-09-04. Review status: criteria provided, single submitter. Criteria: ACMG Guidelines, 2015. Collection method: clinical testing. Allele origin: germline.
Comment: The ABCA4 c.2796G>T variant is predicted to result in the amino acid substitution p.Lys932Asn. To our knowledge, this variant has not been reported in the literature. This variant is present in 0.00088% of alleles in individuals of European (Non-Finnish) descent in gnomAD. At this time, the clinical significance of this variant is uncertain due to the absence of conclusive functional and genetic evidence.

NM_000350.3(ABCA4):c.2796G>T (p.Lys932Asn)

Gene: ABCA4 (ATP binding cassette subfamily A member 4; minus strand). Cytogenetic location: 1p22.1.
Variant type: single nucleotide variant.
Coding change: c.2796G>T on transcript NM_000350.3 (MANE Select); coding-DNA position 2796, G replaced by T.
Protein change: p.Lys932Asn; replaces lysine 932 with asparagine.
Molecular consequence: missense variant.
Genome position (GRCh38, 1-based): chr1:94,047,041, C>A on the plus strand (G>T on the coding strand, the complement: ABCA4 is on the minus strand). VCF-style: chr1-94047041-C-A. GRCh37 (hg19) VCF-style: chr1-94512597-C-A.
Other names: c.2574G>T, p.Lys858Asn (NM_001425324.1); short protein forms K932N, K858N.
Identifiers: ClinVar variation 4989432 (VCV004989432.1).